The following is an entry in ClinVar:

ClinVar aggregate classification (germline): Pathogenic (1 of 4 stars; one submission).

Conditions:
X-linked Alport syndrome (ATS1). Also called: COL4A5-Related Nephropathy; NEPHROPATHY AND DEAFNESS, X-LINKED. Identifiers: Orphanet 63, Orphanet 88917, MedGen C4746986, MONDO:0010520, OMIM 301050.

Submission:

Precision Medicine Center, Zhengzhou University
Classification: Pathogenic for X-linked Alport syndrome. Review status: criteria provided, single submitter. Criteria: ACMG Guidelines, 2015. Collection method: research. Allele origin: germline. Affected: yes.
Comment: PVS1:Null variant in the gene with established LOF as a disease mechanism PM1:Located in a mutational hot spot PM2:not found in gnomAD PP2:Missense variant in a gene that has a low rate of benign missense variation and in which missense variants are a common mechanism of disease PP3:Multiple lines of computational evidence support a deleterious effect on the gene or gene product

NM_033380.3(COL4A5):c.4528G>C (p.Gly1510Arg)

Gene: COL4A5 (collagen type IV alpha 5 chain; plus strand). Cytogenetic location: Xq22.3.
Variant type: single nucleotide variant.
Coding change: c.4528G>C on transcript NM_033380.3 (MANE Select); coding-DNA position 4528, G replaced by C.
Protein change: p.Gly1510Arg; replaces glycine 1510 with arginine.
Molecular consequence: missense variant.
Genome position (GRCh38, 1-based): chrX:108,687,694, G>C. VCF-style: chrX-108687694-G-C. GRCh37 (hg19) VCF-style: chrX-107930924-G-C.
Other names: c.4510G>C, p.Gly1504Arg (NM_000495.5); short protein forms G1504R, G1510R.
Identifiers: ClinVar variation 1077051 (VCV001077051.1), dbSNP rs2147991725, ClinGen allele CA413854830.